The following is an entry in ClinVar:

ClinVar aggregate classification (germline): Pathogenic. Review status: criteria provided, multiple submitters, no conflicts (2 of 4 stars). 2 submissions from 2 submitters: Pathogenic (2). Last evaluated 2019-03-05.

Conditions:
CHARGE syndrome (CHARGE). Also called: CHARGE ASSOCIATION--COLOBOMA, HEART ANOMALY, CHOANAL ATRESIA, RETARDATION, GENITAL AND EAR ANOMALIES; Hittner Hirsch Kreh syndrome; Coloboma, heart anomaly, choanal atresia, retardation, genital and ear anomalies; CHARGE association; Hall-Hittner syndrome. Identifiers: Orphanet 138, MedGen C0265354, MONDO:0008965.

Submissions (2):

Labcorp Genetics (formerly Invitae), Labcorp
Classification: Pathogenic for CHARGE syndrome. Last evaluated: 2019-03-05. Review status: criteria provided, single submitter. Criteria: Invitae Variant Classification Sherloc (09022015). Collection method: clinical testing. Allele origin: germline.
Comment: This sequence change creates a premature translational stop signal (p.Ile1460Argfs*15) in the CHD7 gene. It is expected to result in an absent or disrupted protein product. For these reasons, this variant has been classified as Pathogenic. Loss-of-function variants in CHD7 are known to be pathogenic (PMID: 22461308, 25077900). This variant has not been reported in the literature in individuals with CHD7-related conditions. ClinVar contains an entry for this variant (Variation ID: 95789). This variant is not present in population databases (ExAC no frequency).

Eurofins Ntd Llc (ga)
Classification: Pathogenic. Last evaluated: 2013-09-06. Review status: criteria provided, single submitter. Criteria: EGL Classification Definitions. Collection method: clinical testing. Allele origin: germline. Observed: 1 variant allele, 1 heterozygote.

Literature cited by the submitters: PubMed 22461308 (cited by Labcorp Genetics (formerly Invitae), Labcorp); PubMed 25077900 (cited by Labcorp Genetics (formerly Invitae), Labcorp).

NM_017780.4(CHD7):c.4379_4380del (p.Ile1460fs)

Gene: CHD7 (chromodomain helicase DNA binding protein 7; plus strand). Cytogenetic location: 8q12.2.
Variant type: Deletion.
Coding change: c.4379_4380del on transcript NM_017780.4 (MANE Select); coding-DNA positions 4379 to 4380, 2 bases deleted (TA; older notation c.4379_4380delTA).
Protein change: p.Ile1460fs; shifts the reading frame from isoleucine 1460.
Molecular consequence: frameshift variant. On other transcripts: intron variant (1).
Genome position (GRCh38, 1-based): chr8:60,838,101-60,838,102, TA deleted; deleting any 2 consecutive bases within chr8:60,838,100-60,838,102 gives the same sequence; the c. name uses the placement nearest the transcript's 3' end. VCF-style (leftmost placement, unchanged base first): chr8-60838099-AAT-A. GRCh37 (hg19) VCF-style: chr8-61750658-AAT-A.
Other names: c.4379_4380del (NM_017780.3); c.1717-24128_1717-24127del (NM_001316690.1); short protein forms I1460fs.
Identifiers: ClinVar variation 95789 (VCV000095789.13), dbSNP rs398124319, ClinGen allele CA223299.